The following is an entry in ClinVar:

ClinVar aggregate classification (germline): Uncertain significance (1 of 4 stars; one submission).

Conditions:
Hereditary cancer-predisposing syndrome. Also called: Neoplastic Syndromes, Hereditary; Tumor predisposition; Hereditary Cancer Syndrome; Hereditary neoplastic syndrome. Identifiers: Orphanet 140162, MedGen C0027672, MeSH D009386, MONDO:0015356.

Submission:

Ambry Genetics
Classification: Uncertain significance for Hereditary cancer-predisposing syndrome. Last evaluated: 2025-12-16. Review status: criteria provided, single submitter. Criteria: Ambry Variant Classification Scheme 2023. Collection method: clinical testing. Allele origin: germline.
Comment: The p.S79P variant (also known as c.235T>C), located in coding exon 1 of the FLCN gene, results from a T to C substitution at nucleotide position 235. The serine at codon 79 is replaced by proline, an amino acid with similar properties. This amino acid position is conserved. In addition, the in silico prediction for this alteration is inconclusive. Based on the available evidence, the clinical significance of this variant remains unclear.

NM_144997.7(FLCN):c.235T>C (p.Ser79Pro)

Gene: FLCN (folliculin; minus strand). Cytogenetic location: 17p11.2.
Variant type: single nucleotide variant.
Coding change: c.235T>C on transcript NM_144997.7 (MANE Select); coding-DNA position 235, T replaced by C.
Protein change: p.Ser79Pro; replaces serine 79 with proline.
Molecular consequence: missense variant.
Genome position (GRCh38, 1-based): chr17:17,227,903, A>G on the plus strand (T>C on the coding strand, the complement: FLCN is on the minus strand). VCF-style: chr17-17227903-A-G. GRCh37 (hg19) VCF-style: chr17-17131217-A-G.
Other names: c.235T>C, p.Ser79Pro (NM_001353229.2, NM_001353230.2, NM_001353231.2 and 1 more transcripts); short protein forms S79P.
Identifiers: ClinVar variation 4843151 (VCV004843151.1).